The following is an entry in ClinVar:

ClinVar aggregate classification (germline): Uncertain significance (1 of 4 stars; one submission).

Conditions:
Charcot-Marie-Tooth disease axonal type 2Z. Also called: CHARCOT-MARIE-TOOTH DISEASE, AXONAL, AUTOSOMAL DOMINANT, TYPE 2Z; CHARCOT-MARIE-TOOTH NEUROPATHY, TYPE 2Z. Identifiers: Orphanet 466768, MedGen C5569025, MONDO:0014736, OMIM 616688.

gnomAD v4.1: 2 of 1,433,584 alleles (0.00014%); highest among the groups gnomAD compares: Non-Finnish European, 0.00019%; no homozygotes.

Submission:

Labcorp Genetics (formerly Invitae), Labcorp
Classification: Uncertain significance for Charcot-Marie-Tooth disease axonal type 2Z. Last evaluated: 2023-06-02. Review status: criteria provided, single submitter. Criteria: Invitae Variant Classification Sherloc (09022015). Collection method: clinical testing. Allele origin: germline.
Comment: In summary, the available evidence is currently insufficient to determine the role of this variant in disease. Therefore, it has been classified as a Variant of Uncertain Significance. Advanced modeling of protein sequence and biophysical properties (such as structural, functional, and spatial information, amino acid conservation, physicochemical variation, residue mobility, and thermodynamic stability) performed at Invitae indicates that this missense variant is expected to disrupt MORC2 protein function. This variant has not been reported in the literature in individuals affected with MORC2-related conditions. This variant is not present in population databases (gnomAD no frequency). This sequence change replaces methionine, which is neutral and non-polar, with isoleucine, which is neutral and non-polar, at codon 73 of the MORC2 protein (p.Met73Ile).

NM_001303256.3(MORC2):c.219G>A (p.Met73Ile)

Gene: MORC2 (MORC family CW-type zinc finger 2; minus strand). Cytogenetic location: 22q12.2.
Variant type: single nucleotide variant.
Coding change: c.219G>A on transcript NM_001303256.3 (MANE Select); coding-DNA position 219, G replaced by A.
Protein change: p.Met73Ile; replaces methionine 73 with isoleucine.
Molecular consequence: missense variant.
Genome position (GRCh38, 1-based): chr22:30,950,384, C>T on the plus strand (G>A on the coding strand, the complement: MORC2 is on the minus strand). VCF-style: chr22-30950384-C-T. GRCh37 (hg19) VCF-style: chr22-31346370-C-T.
Other names: c.219G>A, p.Met73Ile (NM_001303257.2); c.33G>A, p.Met11Ile (NM_014941.3); short protein forms M73I, M11I.
Identifiers: ClinVar variation 2816781 (VCV002816781.3), dbSNP rs2517624795, ClinGen allele CA411246085.